The following is an entry in ClinVar:

NM_198525.3(KIF7):c.3795G>A (p.Thr1265=)

Gene: KIF7 (kinesin family member 7; minus strand). Cytogenetic location: 15q26.1.
Variant type: single nucleotide variant.
Coding change: c.3795G>A on transcript NM_198525.3 (MANE Select); coding-DNA position 3795, G replaced by A.
Protein change: p.Thr1265=; no amino-acid change (threonine 1265 retained).
Molecular consequence: synonymous variant.
Genome position (GRCh38, 1-based): chr15:89,628,656, C>T on the plus strand (G>A on the coding strand, the complement: KIF7 is on the minus strand). VCF-style: chr15-89628656-C-T. GRCh37 (hg19) VCF-style: chr15-90171887-C-T.
Identifiers: ClinVar variation 194999 (VCV000194999.17), dbSNP rs148749994, ClinGen allele CA020380.

ClinVar aggregate classification (germline): Conflicting classifications of pathogenicity. Review status: criteria provided, conflicting classifications (1 of 4 stars). 4 submissions from 4 submitters: Uncertain significance (1); Likely benign (2). 1 of the submissions does not count toward it. Last evaluated 2026-01-18.

Conditions:
KIF7-related disorder. Also called: KIF7-related condition.
Acrocallosal syndrome (ACLS). Also called: Schinzel syndrome 1; Absence of corpus callosum with unusual facial appearance, mental deficiency, duplication of the halluces and polydactyly; HALLUX DUPLICATION, POSTAXIAL POLYDACTYLY, AND ABSENCE OF CORPUS CALLOSUM. Identifiers: Orphanet 36, MedGen C0796147, MONDO:0008708, OMIM 200990.

Allele frequency attached by ClinVar (database versions not stated): gnomAD 0.00005; gnomAD exomes 0.00005 and 0.00010; ExAC 0.00006; TOPMed 0.00010; ESP Exome Variant Server 0.00023.
gnomAD v4.1: 87 of 1,613,050 alleles (0.0054%); highest among the groups gnomAD compares: Admixed American, 0.013%; no homozygotes.

Submissions (4):

Labcorp Genetics (formerly Invitae), Labcorp
Classification: Likely benign for Acrocallosal syndrome. Last evaluated: 2026-01-18. Review status: criteria provided, single submitter. Criteria: Invitae Variant Classification Sherloc (09022015). Collection method: clinical testing. Allele origin: germline.

Blueprint Genetics
Classification: Likely benign. Last evaluated: 2024-08-26. Review status: criteria provided, single submitter. Criteria: ACMG Guidelines, 2015. Collection method: clinical testing. Allele origin: germline.

Eurofins Ntd Llc (ga)
Classification: Uncertain significance. Last evaluated: 2014-09-16. Review status: criteria provided, single submitter. Criteria: EGL Classification Definitions 2015. Collection method: clinical testing. Allele origin: germline. Observed: 1 variant allele, 1 heterozygote.

PreventionGenetics, part of Exact Sciences
Classification: Likely benign for KIF7-related condition. Last evaluated: 2021-12-13. Review status: no assertion criteria provided. Collection method: clinical testing. Allele origin: germline. Not counted in ClinVar's aggregate classification.
Comment: This variant is classified as likely benign based on ACMG/AMP sequence variant interpretation guidelines (Richards et al. 2015 PMID: 25741868, with internal and published modifications).